The following is an entry in ClinVar:

NM_032930.3(CFAP300):c.183_192+10del

Gene: CFAP300 (cilia and flagella associated protein 300; plus strand). Cytogenetic location: 11q22.1.
Variant type: Deletion.
Coding change: c.183_192+10del on transcript NM_032930.3 (MANE Select); coding-DNA position 183 through 10 bases into the intron after coding-DNA position 192, 20 bases deleted (TTTCGTTATGGTTAGTATGG).
Molecular consequence: splice donor variant.
Genome position (GRCh38, 1-based): chr11:102,047,887-102,047,906, TTTCGTTATGGTTAGTATGG deleted. VCF-style (leftmost placement, unchanged base first): chr11-102047886-ATTTCGTTATGGTTAGTATGG-A. GRCh37 (hg19) VCF-style: chr11-101918617-ATTTCGTTATGGTTAGTATGG-A.
Other names: c.183_192+10del (NM_001363505.2, NM_001195005.2).
Identifiers: ClinVar variation 3727792 (VCV003727792.2).
Genomic context (GRCh38, chr11:102,047,886, plus strand): 5'-GCAGAATCAAGGCGCAGGCGTTCGGCTTTGACCAGACCTTTCAGTCCTATCGGAAGGATG[ATTTCGTTATGGTTAGTATGG>A]GGGTCGGAGAGTTCCCTGGGTCTCTGCGGATTTTTAAACTTCCCCCCAAGTTGGCATAGA-3'

ClinVar aggregate classification (germline): Pathogenic (1 of 4 stars; one submission).

Submission:

Labcorp Genetics (formerly Invitae), Labcorp
Classification: Pathogenic. Last evaluated: 2024-12-23. Review status: criteria provided, single submitter. Criteria: Invitae Variant Classification Sherloc (09022015). Collection method: clinical testing. Allele origin: germline.
Comment: This variant results in the deletion of part of exon 2 (c.183_192+10del) of the C11orf70 gene. It is expected to disrupt RNA splicing. Variants that disrupt the donor or acceptor splice site typically lead to a loss of protein function (PMID: 16199547), and loss-of-function variants in C11orf70 are known to be pathogenic (PMID: 29727692, 29727693). This variant is not present in population databases (gnomAD no frequency). This variant has been observed in individual(s) with clinical features of primary ciliary dyskinesia (internal data). For these reasons, this variant has been classified as Pathogenic.

Literature cited by the submitters: PubMed 16199547; PubMed 29727692; PubMed 29727693.